The following is an entry in ClinVar:

ClinVar aggregate classification (germline): Pathogenic (1 of 4 stars; one submission).

Conditions:
Inborn genetic diseases. Identifiers: MedGen C0950123, MeSH D030342.

Submission:

Ambry Genetics
Classification: Pathogenic for Inborn genetic diseases. Last evaluated: 2024-02-20. Review status: criteria provided, single submitter. Criteria: Ambry Variant Classification Scheme 2023. Collection method: clinical testing. Allele origin: germline.
Comment: The c.2194G>T (p.E732*) alteration, located in exon 19 (coding exon 15) of the ZMIZ1 gene, consists of a G to T substitution at nucleotide position 2194. This changes the amino acid from a glutamic acid (E) to a stop codon at amino acid position 732. This alteration is expected to result in loss of function by premature protein truncation or nonsense-mediated mRNA decay. This variant was not reported in population-based cohorts in the Genome Aggregation Database (gnomAD). Based on the available evidence, this alteration is classified as pathogenic.

NM_020338.4(ZMIZ1):c.2194G>T (p.Glu732Ter)

Gene: ZMIZ1 (zinc finger MIZ-type containing 1; plus strand). Cytogenetic location: 10q22.3.
Variant type: single nucleotide variant.
Coding change: c.2194G>T on transcript NM_020338.4 (MANE Select); coding-DNA position 2194, G replaced by T.
Protein change: p.Glu732Ter; replaces glutamic acid 732 with a stop codon.
Molecular consequence: nonsense.
Genome position (GRCh38, 1-based): chr10:79,304,083, G>T. VCF-style: chr10-79304083-G-T. GRCh37 (hg19) VCF-style: chr10-81063840-G-T.
Other names: short protein forms E732*.
Identifiers: ClinVar variation 3193716 (VCV003193716.1), dbSNP rs1403477903, ClinGen allele CA377341391.
Genomic context (GRCh38, chr10:79,304,083, plus strand): 5'-AATTTCAGCAGCGTGGCTGCCTCCTCGGGCAACACGACCCTCAACGGGGAGGATGGGGTG[G>T]AGCAGACGGCCATCAAGGTGTCTCTGAAGTGCCCCATCACATTCCGGCGCATCCAGCTGC-3'